The following is an entry in ClinVar:

NM_000341.4(SLC3A1):c.1717T>C (p.Leu573=)

Genes: PREPL (prolyl endopeptidase like; minus strand), SLC3A1 (solute carrier family 3 member 1; plus strand). Cytogenetic location: 2p21.
Variant type: single nucleotide variant.
Coding change: c.1717T>C on transcript NM_000341.4 (MANE Select); coding-DNA position 1717, T replaced by C.
Protein change: p.Leu573=; no amino-acid change (leucine 573 retained).
Molecular consequence: synonymous variant. On other transcripts: 3 prime UTR variant (10).
Genome position (GRCh38, 1-based): chr2:44,320,298, T>C. VCF-style: chr2-44320298-T-C. GRCh37 (hg19) VCF-style: chr2-44547437-T-C.
Other names: c.*1058A>G (NM_001042385.2, NM_001042386.2, NM_001171603.1 and 7 more transcripts).
Identifiers: ClinVar variation 336209 (VCV000336209.9), dbSNP rs148703534, ClinGen allele CA1640743.

ClinVar aggregate classification (germline): Conflicting classifications of pathogenicity. Review status: criteria provided, conflicting classifications (1 of 4 stars). 3 submissions from 3 submitters: Uncertain significance (1); Likely benign (2). Last evaluated 2025-09-05.

Conditions:
Cystinuria (CSNU). Also called: CYSTINURIA, TYPE I; CYSTINURIA, TYPE II; CYSTINURIA, TYPE III; Cystinuria, non-type I. Identifiers: Orphanet 214, MedGen C0010691, MONDO:0009067, OMIM 220100, HP:0003131.
SLC3A1-related disorder. Also called: SLC3A1-related condition.

Allele frequency attached by ClinVar (database versions not stated): ExAC 0.00008; gnomAD 0.00008 and 0.00009; gnomAD exomes 0.00008 and 0.00020; TOPMed 0.00012; ESP Exome Variant Server 0.00023.
gnomAD v4.1: 296 of 1,613,976 alleles (0.018%); highest among the groups gnomAD compares: Non-Finnish European, 0.024%; 1 homozygote.

Submissions (3):

PreventionGenetics, part of Exact Sciences
Classification: Likely benign for SLC3A1-related condition. Last evaluated: 2025-09-05. Review status: criteria provided, single submitter. Criteria: ACMG Guidelines, 2015. Collection method: clinical testing. Allele origin: germline.
Comment: This variant is classified as likely benign based on ACMG/AMP sequence variant interpretation guidelines (Richards et al. 2015 PMID: 25741868, with internal and published modifications).

Labcorp Genetics (formerly Invitae), Labcorp
Classification: Likely benign for Cystinuria. Last evaluated: 2023-06-06. Review status: criteria provided, single submitter. Criteria: Invitae Variant Classification Sherloc (09022015). Collection method: clinical testing. Allele origin: germline.

Illumina Laboratory Services, Illumina
Classification: Uncertain significance for Cystinuria. Last evaluated: 2018-01-13. Review status: criteria provided, single submitter. Criteria: ICSL Variant Classification Criteria 13 December 2019. Collection method: clinical testing. Allele origin: germline.